The following is an entry in ClinVar:

NC_000023.10:g.(?_48382160)_(49856876_?)dup

Genes: CACNA1F (calcium voltage-gated channel subunit alpha1 F; minus strand), CCDC120 (coiled-coil domain containing 120; plus strand), CCDC22 (CCC complex scaffolding subunit CCDC22; plus strand), CLCN5 (Cl-/H+ antiporter 5; plus strand), EBP (EBP cholestenol delta-isomerase; plus strand) and 49 more. Cytogenetic location: Xp11.23-11.22.
Variant type: Duplication.
Identifiers: ClinVar variation 1007859 (VCV001007859.1).

ClinVar aggregate classification (germline): Uncertain significance. Review status: criteria provided, single submitter (1 of 4 stars). 2 submissions from 1 submitter: Uncertain significance (2). Last evaluated 2020-10-16.

Conditions:
Neurodegeneration with brain iron accumulation 5 (NBIA5). Also called: Beta-propeller protein-associated neurodegeneration; STATIC ENCEPHALOPATHY OF CHILDHOOD WITH NEURODEGENERATION IN ADULTHOOD. Identifiers: Orphanet 329284, MedGen C3550973, MONDO:0010476, OMIM 300894.
SLC35A2-congenital disorder of glycosylation. Also called: EPILEPTIC ENCEPHALOPATHY, EARLY INFANTILE, 22; DEVELOPMENTAL AND EPILEPTIC ENCEPHALOPATHY 22; CONGENITAL DISORDER OF GLYCOSYLATION, TYPE IIm; CDG IIm; CONGENITAL DISORDER OF GLYCOSYLATION, TYPE IIm, SOMATIC MOSAIC; SLC35A2-CDG. Identifiers: Orphanet 356961, MedGen C3806688, MONDO:0010478, OMIM 300896.

Submissions (2):

Labcorp Genetics (formerly Invitae), Labcorp
Classification: Uncertain significance for Neurodegeneration with brain iron accumulation 5. Last evaluated: 2020-10-16. Review status: criteria provided, single submitter. Criteria: Invitae Variant Classification Sherloc (09022015). Collection method: clinical testing. Allele origin: germline.
Comment: This variant results in a copy number gain of the genomic region encompassing the full coding sequence of the WDR45 gene. The boundaries of this event are unknown as they extend beyond the assayed region for this gene and therefore may encompass additional genes. As the precise location of this event is unknown, it may be in tandem or it may be located elsewhere in the genome. This variant has not been reported in the literature in individuals with WDR45-related conditions. In summary, the available evidence is currently insufficient to determine the role of this variant in disease. Therefore, it has been classified as a Variant of Uncertain Significance.

Labcorp Genetics (formerly Invitae), Labcorp
Classification: Uncertain significance for SLC35A2-congenital disorder of glycosylation. Last evaluated: 2020-10-16. Review status: criteria provided, single submitter. Criteria: Invitae Variant Classification Sherloc (09022015). Collection method: clinical testing. Allele origin: germline.
Comment: This variant results in a copy number gain of the genomic region encompassing the full coding sequence of the SLC35A2 gene. The boundaries of this event are unknown as they extend beyond the assayed region for this gene and therefore may encompass additional genes. As the precise location of this event is unknown, it may be in tandem or it may be located elsewhere in the genome. This variant has not been reported in the literature in individuals with SLC35A2-related conditions. In summary, the available evidence is currently insufficient to determine the role of this variant in disease. Therefore, it has been classified as a Variant of Uncertain Significance.